The following is an entry in ClinVar:

ClinVar aggregate classification (germline): Uncertain significance. Review status: criteria provided, multiple submitters, no conflicts (2 of 4 stars). 3 submissions from 3 submitters: Uncertain significance (2). 1 of the submissions does not count toward it. Last evaluated 2025-09-16.

Conditions:
RAD50-related disorder. Also called: RAD50-related condition.
Hereditary cancer-predisposing syndrome. Also called: Neoplastic Syndromes, Hereditary; Tumor predisposition; Hereditary Cancer Syndrome; Hereditary neoplastic syndrome. Identifiers: Orphanet 140162, MedGen C0027672, MeSH D009386, MONDO:0015356.

Allele frequency attached by ClinVar (database versions not stated): ExAC 0.00001; gnomAD exomes 0.00001; TOPMed 0.00003.
gnomAD v4.1: 38 of 1,611,334 alleles (0.0024%); highest among the groups gnomAD compares: Non-Finnish European, 0.003%; no homozygotes.

Submissions (3):

Labcorp Genetics (formerly Invitae), Labcorp
Classification: Uncertain significance for Hereditary cancer-predisposing syndrome. Last evaluated: 2025-09-16. Review status: criteria provided, single submitter. Criteria: Invitae Variant Classification Sherloc (09022015). Collection method: clinical testing. Allele origin: germline.
Comment: This sequence change replaces aspartic acid, which is acidic and polar, with valine, which is neutral and non-polar, at codon 946 of the RAD50 protein (p.Asp946Val). This variant is present in population databases (rs587782311, gnomAD 0.007%). This missense change has been observed in individual(s) with breast cancer (PMID: 26787654). This missense change has been observed to co-occur in individuals with a different variant in RAD50 that has been determined to be pathogenic (internal data), but the significance of this finding is unclear. ClinVar contains an entry for this variant (Variation ID: 142213). Invitae Evidence Modeling of protein sequence and biophysical properties (such as structural, functional, and spatial information, amino acid conservation, physicochemical variation, residue mobility, and thermodynamic stability) indicates that this missense variant is not expected to disrupt RAD50 protein function with a negative predictive value of 80%. In summary, the available evidence is currently insufficient to determine the role of this variant in disease. Therefore, it has been classified as a Variant of Uncertain Significance.

Ambry Genetics
Classification: Uncertain significance for Hereditary cancer-predisposing syndrome. Last evaluated: 2023-05-25. Review status: criteria provided, single submitter. Criteria: Ambry Variant Classification Scheme 2023. Collection method: clinical testing. Allele origin: germline.
Comment: The p.D946V variant (also known as c.2837A>T), located in coding exon 18 of the RAD50 gene, results from an A to T substitution at nucleotide position 2837. The aspartic acid at codon 946 is replaced by valine, an amino acid with highly dissimilar properties. This variant was reported in 1/1313 early-onset breast cancer cases and 0/1123 population controls (Damiola F et al. Breast Cancer Res. 2014 Jun;16:R58). Another study identified this variant in one individual from a cohort of breast cancer probands who underwent multi-gene panel testing (Young EL et al. J. Med. Genet. 2016 06;53(6):366-76). This amino acid position is not well conserved in available vertebrate species. In addition, this alteration is predicted to be tolerated by in silico analysis. Since supporting evidence is limited at this time, the clinical significance of this alteration remains unclear.

PreventionGenetics, part of Exact Sciences
Classification: Uncertain significance for RAD50-related condition. Last evaluated: 2024-03-11. Review status: no assertion criteria provided. Collection method: clinical testing. Allele origin: germline. Not counted in ClinVar's aggregate classification.
Comment: The RAD50 c.2837A>T variant is predicted to result in the amino acid substitution p.Asp946Val. To our knowledge, this variant has not been reported in the literature. This variant is reported in 0.0066% of alleles in individuals of African descent in gnomAD. At this time, the clinical significance of this variant is uncertain due to the absence of conclusive functional and genetic evidence.

Literature cited by the submitters: PubMed 26787654 (cited by Labcorp Genetics (formerly Invitae), Labcorp); PubMed 24894818 (cited by Ambry Genetics).

NM_005732.4(RAD50):c.2837A>T (p.Asp946Val)

Gene: RAD50 (RAD50 double strand break repair protein; plus strand). Cytogenetic location: 5q31.1.
Variant type: single nucleotide variant.
Coding change: c.2837A>T on transcript NM_005732.4 (MANE Select); coding-DNA position 2837, A replaced by T.
Protein change: p.Asp946Val; replaces aspartic acid 946 with valine.
Molecular consequence: missense variant.
Genome position (GRCh38, 1-based): chr5:132,609,124, A>T. VCF-style: chr5-132609124-A-T. GRCh37 (hg19) VCF-style: chr5-131944816-A-T.
Other names: short protein forms D946V.
Identifiers: ClinVar variation 142213 (VCV000142213.15), dbSNP rs587782311, ClinGen allele CA333242.